The following is an entry in ClinVar:

NM_000110.4(DPYD):c.2279C>T (p.Thr760Ile)

Genes: DPYD (dihydropyrimidine dehydrogenase; minus strand), DPYD-AS1 (DPYD antisense RNA 1; plus strand). Cytogenetic location: 1p21.3.
Variant type: single nucleotide variant.
Coding change: c.2279C>T on transcript NM_000110.4 (MANE Select); coding-DNA position 2279, C replaced by T.
Protein change: p.Thr760Ile; replaces threonine 760 with isoleucine.
Molecular consequence: missense variant.
Genome position (GRCh38, 1-based): chr1:97,305,279, G>A on the plus strand (C>T on the coding strand, the complement: DPYD is on the minus strand). VCF-style: chr1-97305279-G-A. GRCh37 (hg19) VCF-style: chr1-97770835-G-A.
Other names: short protein forms T760I.
Identifiers: ClinVar variation 874135 (VCV000874135.8), dbSNP rs112766203, ClinGen allele CA963080.

ClinVar aggregate classification (germline): Conflicting classifications of pathogenicity. Review status: criteria provided, conflicting classifications (1 of 4 stars). 3 submissions from 3 submitters: Uncertain significance (1); Likely benign (2). Last evaluated 2024-03-20.

Conditions:
Dihydropyrimidine dehydrogenase deficiency (DPYDD). Also called: Hereditary Thymine-Uraciluria; DPD DEFICIENCY; DPYD DEFICIENCY. Identifiers: Orphanet 1675, MedGen C1959620, MONDO:0010130, OMIM 274270.

Allele frequency attached by ClinVar (database versions not stated): gnomAD 0.00001 and 0.00015; 1000 Genomes Project 30x 0.00094; 1000 Genomes Project 0.00120.
gnomAD v4.1: 491 of 1,612,332 alleles (0.03%); highest among the groups gnomAD compares: South Asian, 0.51%; 6 homozygotes.

Submissions (3):

Blueprint Genetics
Classification: Likely benign. Last evaluated: 2024-03-20. Review status: criteria provided, single submitter. Criteria: ACMG Guidelines, 2015. Collection method: clinical testing. Allele origin: germline.

Labcorp Genetics (formerly Invitae), Labcorp
Classification: Likely benign. Last evaluated: 2019-10-22. Review status: criteria provided, single submitter. Criteria: Invitae Variant Classification Sherloc (09022015). Collection method: clinical testing. Allele origin: germline.

Illumina Laboratory Services, Illumina
Classification: Uncertain significance for Dihydropyrimidine dehydrogenase deficiency. Last evaluated: 2017-04-28. Review status: criteria provided, single submitter. Criteria: ICSL Variant Classification Criteria 13 December 2019. Collection method: clinical testing. Allele origin: germline.
Comment: This variant was observed as part of a predisposition screen in an ostensibly healthy population. A literature search was performed for the gene, cDNA change, and amino acid change (where applicable). Publications were found based on this search. However, the evidence from the literature, in combination with allele frequency data from public databases where available, was not sufficient to rule this variant in or out of causing disease. Therefore, this variant is classified as a variant of unknown significance.

Literature cited by the submitters: PubMed 24648345 (cited by Illumina Laboratory Services, Illumina).